The following is an entry in ClinVar:

NM_004304.5(ALK):c.2948A>G (p.His983Arg)

Gene: ALK (ALK receptor tyrosine kinase; minus strand). Cytogenetic location: 2p23.2.
Variant type: single nucleotide variant.
Coding change: c.2948A>G on transcript NM_004304.5 (MANE Select); coding-DNA position 2948, A replaced by G.
Protein change: p.His983Arg; replaces histidine 983 with arginine.
Molecular consequence: missense variant.
Genome position (GRCh38, 1-based): chr2:29,227,041, T>C on the plus strand (A>G on the coding strand, the complement: ALK is on the minus strand). VCF-style: chr2-29227041-T-C. GRCh37 (hg19) VCF-style: chr2-29449907-T-C.
Other names: short protein forms H983R.
Identifiers: ClinVar variation 2836828 (VCV002836828.3), dbSNP rs2148178644, ClinGen allele CA346467980.

ClinVar aggregate classification (germline): Uncertain significance (1 of 4 stars; one submission).

Conditions:
Neuroblastoma, susceptibility to, 3. Also called: ALK-Related Neuroblastic Tumor Susceptibility. Identifiers: Orphanet 635, MedGen C2751681, MONDO:0013083, OMIM 613014.

Submission:

Labcorp Genetics (formerly Invitae), Labcorp
Classification: Uncertain significance for Neuroblastoma, susceptibility to, 3. Last evaluated: 2023-02-14. Review status: criteria provided, single submitter. Criteria: Invitae Variant Classification Sherloc (09022015). Collection method: clinical testing. Allele origin: germline.
Comment: In summary, the available evidence is currently insufficient to determine the role of this variant in disease. Therefore, it has been classified as a Variant of Uncertain Significance. Algorithms developed to predict the effect of missense changes on protein structure and function (SIFT, PolyPhen-2, Align-GVGD) all suggest that this variant is likely to be tolerated. This variant has not been reported in the literature in individuals affected with ALK-related conditions. This variant is not present in population databases (gnomAD no frequency). This sequence change replaces histidine, which is basic and polar, with arginine, which is basic and polar, at codon 983 of the ALK protein (p.His983Arg).